The following is an entry in ClinVar:

NM_024496.4(IRF2BPL):c.462CGC[6] (p.Ala162_Ala164del)

Gene: IRF2BPL (interferon regulatory factor 2 binding protein like; minus strand). Cytogenetic location: 14q24.3.
Variant type: Microsatellite.
Coding change: c.462CGC[6] on transcript NM_024496.4 (MANE Select); six copies in a row of the 3-base unit CGC starting at c.462; the reference has nine copies in a row; three copies, 9 bases deleted; also written c.480_488del.
Protein change: p.Ala162_Ala164del.
Molecular consequence: inframe deletion.
Genome position (GRCh38, 1-based): chr14:77,027,305-77,027,313, GCGGCGGCG deleted on the plus strand (CGCCGCCGC on the coding strand, the reverse complement: IRF2BPL is on the minus strand); deleting any 9 consecutive bases within chr14:77,027,305-77,027,333 gives the same sequence; the position shown is the placement nearest the transcript's 3' end. VCF-style (leftmost placement, unchanged base first): chr14-77027304-AGCGGCGGCG-A. GRCh37 (hg19) VCF-style: chr14-77493647-AGCGGCGGCG-A.
Other names: p.Ala162_Ala164del; c.480_488del (NM_024496.4).
Identifiers: ClinVar variation 1299890 (VCV001299890.2), dbSNP rs371633333, ClinGen allele CA7283939.

ClinVar aggregate classification (germline): Benign. Review status: criteria provided, single submitter (1 of 4 stars). 3 submissions from 3 submitters: Benign (1). 2 of the submissions do not count toward it. Last evaluated 2024-07-03.

Submissions (3):

Mayo Clinic Laboratories, Mayo Clinic
Classification: Benign. Last evaluated: 2024-07-03. Review status: criteria provided, single submitter. Criteria: ACMG Guidelines, 2015. Collection method: clinical testing. Allele origin: germline. Observed: 2 variant alleles.
Comment: BS1, BS2

Clinical Genetics DNA and cytogenetics Diagnostics Lab, Erasmus MC, Erasmus Medical Center
Classification: Likely benign. Review status: no assertion criteria provided. Collection method: clinical testing. Allele origin: germline. Affected: yes. Study: VKGL Data-share Consensus. Not counted in ClinVar's aggregate classification.

Diagnostic Laboratory, Department of Genetics, University Medical Center Groningen
Classification: Benign. Review status: no assertion criteria provided. Collection method: clinical testing. Allele origin: germline. Affected: yes. Study: VKGL Data-share Consensus. Not counted in ClinVar's aggregate classification.